The following is an entry in ClinVar:

NM_001492.6(GDF1):c.431G>C (p.Arg144Pro)

Genes: CERS1 (ceramide synthase 1; minus strand), GDF1 (growth differentiation factor 1; minus strand). Cytogenetic location: 19p13.11.
Variant type: single nucleotide variant.
Coding change: c.431G>C on transcript NM_001492.6 (MANE Select); coding-DNA position 431, G replaced by C.
Protein change: p.Arg144Pro; replaces arginine 144 with proline.
Molecular consequence: missense variant. On other transcripts: 3 prime UTR variant (2).
Genome position (GRCh38, 1-based): chr19:18,869,285, C>G on the plus strand (G>C on the coding strand, the complement: GDF1 is on the minus strand). VCF-style: chr19-18869285-C-G. GRCh37 (hg19) VCF-style: chr19-18980094-C-G.
Other names: c.*1292G>C (NM_001387440.1); c.*700G>C (NM_021267.5); c.431G>C, p.Arg144Pro (NM_001387438.1); short protein forms R144P.
Identifiers: ClinVar variation 2050797 (VCV002050797.2), dbSNP rs771276786, ClinGen allele CA404863288.

ClinVar aggregate classification (germline): Uncertain significance (1 of 4 stars; one submission).

gnomAD v4.1: 5 of 1,504,740 alleles (0.00033%); highest among the groups gnomAD compares: Admixed American, 0.01%; no homozygotes.

Submission:

Labcorp Genetics (formerly Invitae), Labcorp
Classification: Uncertain significance. Last evaluated: 2022-06-29. Review status: criteria provided, single submitter. Criteria: Invitae Variant Classification Sherloc (09022015). Collection method: clinical testing. Allele origin: germline.
Comment: In summary, the available evidence is currently insufficient to determine the role of this variant in disease. Therefore, it has been classified as a Variant of Uncertain Significance. Algorithms developed to predict the effect of missense changes on protein structure and function (SIFT, PolyPhen-2, Align-GVGD) all suggest that this variant is likely to be tolerated. This variant has not been reported in the literature in individuals affected with GDF1-related conditions. This variant is present in population databases (no rsID available, gnomAD 0.02%). This sequence change replaces arginine, which is basic and polar, with proline, which is neutral and non-polar, at codon 144 of the GDF1 protein (p.Arg144Pro).